The following is an entry in ClinVar:

ClinVar aggregate classification (germline): Likely benign (1 of 4 stars; one submission).

Submission:

CeGaT Center for Human Genetics Tuebingen
Classification: Likely benign. Last evaluated: 2022-11-01. Review status: criteria provided, single submitter. Criteria: CeGaT Center For Human Genetics Tuebingen Variant Classification Criteria Version 2. Collection method: clinical testing. Allele origin: germline. Affected: yes. Observed: 1 variant allele.
Comment: DOCK3: BP4, BP7

NM_004947.5(DOCK3):c.3486A>G (p.Leu1162=)

Gene: DOCK3 (dedicator of cytokinesis 3; plus strand). Cytogenetic location: 3p21.2.
Variant type: single nucleotide variant.
Coding change: c.3486A>G on transcript NM_004947.5 (MANE Select); coding-DNA position 3486, A replaced by G.
Protein change: p.Leu1162=; no amino-acid change (leucine 1162 retained).
Molecular consequence: synonymous variant.
Genome position (GRCh38, 1-based): chr3:51,330,221, A>G. VCF-style: chr3-51330221-A-G. GRCh37 (hg19) VCF-style: chr3-51367652-A-G.
Identifiers: ClinVar variation 2653866 (VCV002653866.24), dbSNP rs764740642, ClinGen allele CA2421481.